The following is an entry in ClinVar:

NM_017763.6(RNF43):c.817G>A (p.Ala273Thr)

Gene: RNF43 (ring finger protein 43; minus strand). Cytogenetic location: 17q22.
Variant type: single nucleotide variant.
Coding change: c.817G>A on transcript NM_017763.6 (MANE Select); coding-DNA position 817, G replaced by A.
Protein change: p.Ala273Thr; replaces alanine 273 with threonine.
Molecular consequence: missense variant.
Genome position (GRCh38, 1-based): chr17:58,360,815, C>T on the plus strand (G>A on the coding strand, the complement: RNF43 is on the minus strand). VCF-style: chr17-58360815-C-T. GRCh37 (hg19) VCF-style: chr17-56438176-C-T.
Other names: c.817G>A, p.Ala273Thr (NM_001305544.3); c.436G>A, p.Ala146Thr (NM_001305545.2); short protein forms A273T, A146T.
Identifiers: ClinVar variation 3434507 (VCV003434507.1).

ClinVar aggregate classification (germline): Uncertain significance (1 of 4 stars; one submission).

gnomAD v4.1: 2 of 1,612,570 alleles (0.00012%); highest among the groups gnomAD compares: Non-Finnish European, 0.00017%; no homozygotes.

Submission:

Ambry Genetics
Classification: Uncertain significance. Last evaluated: 2024-11-23. Review status: criteria provided, single submitter. Criteria: Ambry Variant Classification Scheme 2023. Collection method: clinical testing. Allele origin: germline.
Comment: The p.A273T variant (also known as c.817G>A), located in coding exon 6 of the RNF43 gene, results from a G to A substitution at nucleotide position 817. The alanine at codon 273 is replaced by threonine, an amino acid with similar properties. This amino acid position is conserved. In addition, the in silico prediction for this alteration is inconclusive. Based on the available evidence, the clinical significance of this variant remains unclear.